The following is an entry in ClinVar:

ClinVar aggregate classification (germline): Benign (1 of 4 stars; one submission).

Allele frequency attached by ClinVar (database versions not stated): gnomAD 0.05102 and 0.05462; 1000 Genomes Project 0.05471; TOPMed 0.05689; 1000 Genomes Project 30x 0.05934.
gnomAD v4.1: 7,687 of 152,118 alleles (5.1%); highest among the groups gnomAD compares: African/African-American, 17%; 651 homozygotes.

Submission:

GeneDx
Classification: Benign. Last evaluated: 2018-06-16. Review status: criteria provided, single submitter. Criteria: GeneDx Variant Classification (06012015). Collection method: clinical testing. Allele origin: germline. Affected: yes.
Comment: This variant is considered likely benign or benign based on one or more of the following criteria: it is a conservative change, it occurs at a poorly conserved position in the protein, it is predicted to be benign by multiple in silico algorithms, and/or has population frequency not consistent with disease.

NM_004415.4(DSP):c.727-206C>T

Gene: DSP (desmoplakin; plus strand). Cytogenetic location: 6p24.3.
Variant type: single nucleotide variant.
Coding change: c.727-206C>T on transcript NM_004415.4 (MANE Select); 206 bases into the intron before coding-DNA position 727, C replaced by T.
Molecular consequence: intron variant.
Genome position (GRCh38, 1-based): chr6:7,563,530, C>T. VCF-style: chr6-7563530-C-T. GRCh37 (hg19) VCF-style: chr6-7563763-C-T.
Other names: c.727-206C>T (NM_001319034.2, NM_001008844.3).
Identifiers: ClinVar variation 675441 (VCV000675441.1), dbSNP rs78576785, ClinGen allele CA12383415.